The following is an entry in ClinVar:

NM_004278.4(PIGL):c.740A>G (p.Asn247Ser)

Gene: PIGL (phosphatidylinositol glycan anchor biosynthesis class L; plus strand). Cytogenetic location: 17p11.2.
Variant type: single nucleotide variant.
Coding change: c.740A>G on transcript NM_004278.4 (MANE Select); coding-DNA position 740, A replaced by G.
Protein change: p.Asn247Ser; replaces asparagine 247 with serine.
Molecular consequence: missense variant.
Genome position (GRCh38, 1-based): chr17:16,325,879, A>G. VCF-style: chr17-16325879-A-G. GRCh37 (hg19) VCF-style: chr17-16229193-A-G.
Other names: short protein forms N247S.
Identifiers: ClinVar variation 1484456 (VCV001484456.6), dbSNP rs2142884819, ClinGen allele CA398481103.

ClinVar aggregate classification (germline): Uncertain significance (1 of 4 stars; one submission).

Allele frequency attached by ClinVar (database versions not stated): gnomAD exomes below 0.00001.
gnomAD v4.1: 2 of 1,613,312 alleles (0.00012%); highest among the groups gnomAD compares: Non-Finnish European, 0.00017%; no homozygotes.

Submission:

Labcorp Genetics (formerly Invitae), Labcorp
Classification: Uncertain significance. Last evaluated: 2021-09-20. Review status: criteria provided, single submitter. Criteria: Invitae Variant Classification Sherloc (09022015). Collection method: clinical testing. Allele origin: germline.
Comment: Algorithms developed to predict the effect of missense changes on protein structure and function are either unavailable or do not agree on the potential impact of this missense change (SIFT: "Deleterious"; PolyPhen-2: "Probably Damaging"; Align-GVGD: "Class C0"). In summary, the available evidence is currently insufficient to determine the role of this variant in disease. Therefore, it has been classified as a Variant of Uncertain Significance. This variant is not present in population databases (ExAC no frequency). This sequence change replaces asparagine with serine at codon 247 of the PIGL protein (p.Asn247Ser). The asparagine residue is highly conserved and there is a small physicochemical difference between asparagine and serine. This variant has not been reported in the literature in individuals affected with PIGL-related conditions.